The following is an entry in ClinVar:

ClinVar aggregate classification (germline): Uncertain significance (1 of 4 stars; one submission).

Conditions:
Werner syndrome (WRN). Identifiers: Orphanet 902, MedGen C0043119, MONDO:0010196, OMIM 277700.

Submission:

Labcorp Genetics (formerly Invitae), Labcorp
Classification: Uncertain significance for Werner syndrome. Last evaluated: 2020-12-11. Review status: criteria provided, single submitter. Criteria: Invitae Variant Classification Sherloc (09022015). Collection method: clinical testing. Allele origin: germline.
Comment: In summary, the available evidence is currently insufficient to determine the role of this variant in disease. Therefore, it has been classified as a Variant of Uncertain Significance. Algorithms developed to predict the effect of missense changes on protein structure and function are either unavailable or do not agree on the potential impact of this missense change (SIFT: "Not Available"; PolyPhen-2: "Benign"; Align-GVGD: "Not Available"). This variant has not been reported in the literature in individuals with WRN-related conditions. This variant is not present in population databases (ExAC no frequency). This sequence change replaces threonine with alanine at codon 538 of the WRN protein (p.Thr538Ala). The threonine residue is weakly conserved and there is a small physicochemical difference between threonine and alanine.

NM_000553.6(WRN):c.1612A>G (p.Thr538Ala)

Gene: WRN (WRN RecQ like helicase; plus strand). Cytogenetic location: 8p12.
Variant type: single nucleotide variant.
Coding change: c.1612A>G on transcript NM_000553.6 (MANE Select); coding-DNA position 1612, A replaced by G.
Protein change: p.Thr538Ala; replaces threonine 538 with alanine.
Molecular consequence: missense variant.
Genome position (GRCh38, 1-based): chr8:31,088,925, A>G. VCF-style: chr8-31088925-A-G. GRCh37 (hg19) VCF-style: chr8-30946441-A-G.
Other names: short protein forms T538A.
Identifiers: ClinVar variation 1493147 (VCV001493147.6), dbSNP rs2130163847, ClinGen allele CA370926297.